The following is an entry in ClinVar:

NM_000051.4(ATM):c.6797A>G (p.Lys2266Arg)

Genes: ATM (ATM serine/threonine kinase; plus strand), C11orf65 (chromosome 11 open reading frame 65; minus strand). Cytogenetic location: 11q22.3.
Variant type: single nucleotide variant.
Coding change: c.6797A>G on transcript NM_000051.4 (MANE Select); coding-DNA position 6797, A replaced by G.
Protein change: p.Lys2266Arg; replaces lysine 2266 with arginine.
Molecular consequence: missense variant. On other transcripts: intron variant (2).
Genome position (GRCh38, 1-based): chr11:108,325,534, A>G. VCF-style: chr11-108325534-A-G. GRCh37 (hg19) VCF-style: chr11-108196261-A-G.
Other names: c.6797A>G, p.Lys2266Arg (NM_001351834.2); c.641-16463T>C (NM_001330368.2); c.*38+9686T>C (NM_001351110.2); short protein forms K2266R.
Identifiers: ClinVar variation 657232 (VCV000657232.15), dbSNP rs1591130168, ClinGen allele CA382555561.
Genomic context (GRCh38, chr11:108,325,534, plus strand): 5'-GTATTAAGGACATTCTCACCAAACACCTTGTAGAACTCTCTATACTGGCCAGAACTTTCA[A>G]GAACACTCAGGTAAATACAATTTAAAACTATGTCATCTTACCTCTTGACTTTCCTTTTAT-3'
Protein context (NP_000042.3, residues 2256-2276): VELSILARTF[Lys2266Arg]NTQLPERAIF

ClinVar aggregate classification (germline): Uncertain significance. Review status: criteria provided, multiple submitters, no conflicts (2 of 4 stars). 2 submissions from 2 submitters: Uncertain significance (2). Last evaluated 2025-08-10.

Conditions:
Hereditary cancer-predisposing syndrome. Also called: Tumor predisposition; Hereditary neoplastic syndrome; Neoplastic Syndromes, Hereditary; Hereditary Cancer Syndrome. Identifiers: Orphanet 140162, MedGen C0027672, MeSH D009386, MONDO:0015356.
Ataxia-telangiectasia syndrome (AT). Also called: Ataxia-telangiectasia, complementation group D; AT, COMPLEMENTATION GROUP C; ATAXIA-TELANGIECTASIA, COMPLEMENTATION GROUP A; ATAXIA-TELANGIECTASIA, FRESNO VARIANT; Ataxia-telangiectasia; LOUIS-BAR SYNDROME. Identifiers: Orphanet 100, MedGen C0004135, MONDO:0008840, OMIM 208900.

Submissions (2):

Ambry Genetics
Classification: Uncertain significance for Hereditary cancer-predisposing syndrome. Last evaluated: 2025-08-10. Review status: criteria provided, single submitter. Criteria: Ambry Variant Classification Scheme 2023. Collection method: clinical testing. Allele origin: germline.

Labcorp Genetics (formerly Invitae), Labcorp
Classification: Uncertain significance for Ataxia-telangiectasia syndrome. Last evaluated: 2024-01-08. Review status: criteria provided, single submitter. Criteria: Invitae Variant Classification Sherloc (09022015). Collection method: clinical testing. Allele origin: germline.
Comment: This sequence change replaces lysine, which is basic and polar, with arginine, which is basic and polar, at codon 2266 of the ATM protein (p.Lys2266Arg). This variant is not present in population databases (gnomAD no frequency). This variant has not been reported in the literature in individuals affected with ATM-related conditions. ClinVar contains an entry for this variant (Variation ID: 657232). Algorithms developed to predict the effect of missense changes on protein structure and function output the following: SIFT: "Not Available"; PolyPhen-2: "Benign"; Align-GVGD: "Not Available". The arginine amino acid residue is found in multiple mammalian species, which suggests that this missense change does not adversely affect protein function. In summary, the available evidence is currently insufficient to determine the role of this variant in disease. Therefore, it has been classified as a Variant of Uncertain Significance.